The following is an entry in ClinVar:

NM_016616.5(NME8):c.1729G>A (p.Val577Ile)

Gene: NME8 (NME/NM23 family member 8; plus strand). Cytogenetic location: 7p14.1.
Variant type: single nucleotide variant.
Coding change: c.1729G>A on transcript NM_016616.5 (MANE Select); coding-DNA position 1729, G replaced by A.
Protein change: p.Val577Ile; replaces valine 577 with isoleucine.
Molecular consequence: missense variant.
Genome position (GRCh38, 1-based): chr7:37,897,054, G>A. VCF-style: chr7-37897054-G-A. GRCh37 (hg19) VCF-style: chr7-37936656-G-A.
Other names: short protein forms V577I.
Identifiers: ClinVar variation 194769 (VCV000194769.17), dbSNP rs770045061, ClinGen allele CA240918.

ClinVar aggregate classification (germline): Uncertain significance. Review status: criteria provided, multiple submitters, no conflicts (2 of 4 stars). 4 submissions from 4 submitters: Uncertain significance (4). Last evaluated 2025-05-14.

Conditions:
Primary ciliary dyskinesia. Also called: Ciliary dyskinesia. Identifiers: Orphanet 244, MedGen C0008780, MONDO:0016575, HP:0012265.
Primary ciliary dyskinesia 6. Also called: Primary Ciliary Dyskinesia 6: TXNDC3-Related Primary Ciliary Dyskinesia. Identifiers: Orphanet 244, MedGen C1970506, MONDO:0012571, OMIM 610852.

Allele frequency attached by ClinVar (database versions not stated): TOPMed 0.00002; gnomAD 0.00004; ExAC 0.00005; gnomAD exomes 0.00006.
gnomAD v4.1: 137 of 1,613,512 alleles (0.0085%); highest among the groups gnomAD compares: Non-Finnish European, 0.01%; no homozygotes.

Submissions (4):

Ambry Genetics
Classification: Uncertain significance for Primary ciliary dyskinesia. Last evaluated: 2025-05-14. Review status: criteria provided, single submitter. Criteria: Ambry Variant Classification Scheme 2023. Collection method: clinical testing. Allele origin: germline.

Blueprint Genetics
Classification: Uncertain significance. Last evaluated: 2024-10-14. Review status: criteria provided, single submitter. Criteria: ACMG Guidelines, 2015. Collection method: clinical testing. Allele origin: germline.

Labcorp Genetics (formerly Invitae), Labcorp
Classification: Uncertain significance for Primary ciliary dyskinesia 6. Last evaluated: 2023-12-27. Review status: criteria provided, single submitter. Criteria: Invitae Variant Classification Sherloc (09022015). Collection method: clinical testing. Allele origin: germline.
Comment: This sequence change replaces valine, which is neutral and non-polar, with isoleucine, which is neutral and non-polar, at codon 577 of the NME8 protein (p.Val577Ile). This variant is present in population databases (rs770045061, gnomAD 0.009%). This variant has not been reported in the literature in individuals affected with NME8-related conditions. ClinVar contains an entry for this variant (Variation ID: 194769). Advanced modeling of protein sequence and biophysical properties (such as structural, functional, and spatial information, amino acid conservation, physicochemical variation, residue mobility, and thermodynamic stability) performed at Invitae indicates that this missense variant is not expected to disrupt NME8 protein function with a negative predictive value of 80%. In summary, the available evidence is currently insufficient to determine the role of this variant in disease. Therefore, it has been classified as a Variant of Uncertain Significance.

Eurofins Ntd Llc (ga)
Classification: Uncertain significance. Last evaluated: 2014-08-15. Review status: criteria provided, single submitter. Criteria: EGL Classification Definitions 2015. Collection method: clinical testing. Allele origin: germline. Observed: 1 variant allele, 1 heterozygote.